The following is an entry in ClinVar:

NM_005585.5(SMAD6):c.874+1G>C

Gene: SMAD6 (SMAD family member 6; plus strand). Cytogenetic location: 15q22.31.
Variant type: single nucleotide variant.
Coding change: c.874+1G>C on transcript NM_005585.5 (MANE Select); the canonical splice donor site of the intron after coding-DNA position 874, G replaced by C.
Molecular consequence: splice donor variant.
Genome position (GRCh38, 1-based): chr15:66,711,725, G>C. VCF-style: chr15-66711725-G-C. GRCh37 (hg19) VCF-style: chr15-67004063-G-C.
Identifiers: ClinVar variation 2899057 (VCV002899057.3), dbSNP rs779863048, ClinGen allele CA7626604.

ClinVar aggregate classification (germline): Uncertain significance (1 of 4 stars; one submission).

Conditions:
Aortic valve disease 2 (AOVD2). Identifiers: MedGen C3542024, MONDO:0013902, OMIM 614823.

Allele frequency attached by ClinVar (database versions not stated): ExAC 0.00001.
gnomAD v4.1: 6 of 1,612,630 alleles (0.00037%); highest among the groups gnomAD compares: South Asian, 0.0011%; no homozygotes.

Submission:

Labcorp Genetics (formerly Invitae), Labcorp
Classification: Uncertain significance for Aortic valve disease 2. Last evaluated: 2023-05-03. Review status: criteria provided, single submitter. Criteria: Invitae Variant Classification Sherloc (09022015). Collection method: clinical testing. Allele origin: germline.
Comment: In summary, the available evidence is currently insufficient to determine the role of this variant in disease. Therefore, it has been classified as a Variant of Uncertain Significance. Algorithms developed to predict the effect of sequence changes on RNA splicing suggest that this variant may disrupt the consensus splice site. This variant has not been reported in the literature in individuals affected with SMAD6-related conditions. This variant is present in population databases (rs779863048, gnomAD 0.003%). This sequence change affects a donor splice site in intron 2 of the SMAD6 gene. It is expected to disrupt RNA splicing. Variants that disrupt the donor or acceptor splice site typically lead to a loss of protein function (PMID: 16199547), however the current clinical and genetic evidence is not sufficient to establish whether loss-of-function variants in SMAD6 cause disease.

Literature cited by the submitters: PubMed 16199547.